The following is an entry in ClinVar:

NM_000238.4(KCNH2):c.548_560del (p.Gly183fs)

Gene: KCNH2 (potassium voltage-gated channel subfamily H member 2; minus strand). Cytogenetic location: 7q36.1.
Variant type: Deletion.
Coding change: c.548_560del on transcript NM_000238.4 (MANE Select); coding-DNA positions 548 to 560, 13 bases deleted (GCGGCGCGGGCGG).
Protein change: p.Gly183fs; shifts the reading frame from glycine 183.
Molecular consequence: frameshift variant.
Genome position (GRCh38, 1-based): chr7:150,958,415-150,958,427, CCGCCCGCGCCGC deleted on the plus strand (GCGGCGCGGGCGG on the coding strand, the reverse complement: KCNH2 is on the minus strand); deleting any 13 consecutive bases within chr7:150,958,415-150,958,430 gives the same sequence; the c. name uses the placement nearest the transcript's 3' end. VCF-style (leftmost placement, unchanged base first): chr7-150958414-GCCGCCCGCGCCGC-G. GRCh37 (hg19) VCF-style: chr7-150655502-GCCGCCCGCGCCGC-G.
Other names: c.257_269delCGGGCGGCGCGGG, p.Gly87Alafs (NM_001406753.1, NM_001406756.1); c.368_380delCGGGCGGCGCGGG, p.Gly124Alafs (NM_001406755.1); c.245_257delCGGGCGGCGCGGG, p.Gly83Alafs (NM_001406757.1); c.545_557delCGGGCGGCGCGGG, p.Gly183Alafs (NM_172056.3); short protein forms G183fs.
Identifiers: ClinVar variation 2023450 (VCV002023450.4), dbSNP rs2486094081, ClinGen allele CA2580077703.
Genomic context (GRCh38, chr7:150,958,414, plus strand): 5'-GCTGCTGGGTGCCGCGGGCGTCAGGTCCACGTCCACCACCACGGCCCCCGGGGCGCCCGC[GCCGCCCGCGCCGC>G]CCGACCGCACCGACGACTCCCGGGCCGTCAGCGCCAGCAGCGCGGGCAGCTTCAGGCGGA-3'

ClinVar aggregate classification (germline): Pathogenic (1 of 4 stars; one submission).

Conditions:
Long QT syndrome (LQTS). Identifiers: MedGen C0023976, MeSH D008133, MONDO:0002442. Disease mechanism: loss of function. Inheritance: Various modes of inheritance.

Submission:

Labcorp Genetics (formerly Invitae), Labcorp
Classification: Pathogenic for Long QT syndrome. Last evaluated: 2022-09-14. Review status: criteria provided, single submitter. Criteria: Invitae Variant Classification Sherloc (09022015). Collection method: clinical testing. Allele origin: germline.
Comment: For these reasons, this variant has been classified as Pathogenic. This sequence change creates a premature translational stop signal (p.Gly183Alafs*14) in the KCNH2 gene. It is expected to result in an absent or disrupted protein product. Loss-of-function variants in KCNH2 are known to be pathogenic (PMID: 10973849, 19862833). This variant is not present in population databases (gnomAD no frequency). This variant has not been reported in the literature in individuals affected with KCNH2-related conditions.

Literature cited by the submitters: PubMed 10973849; PubMed 19862833.